The following is an entry in ClinVar:

ClinVar aggregate classification (germline): Likely benign (1 of 4 stars; one submission).

Conditions:
Autosomal recessive juvenile Parkinson disease 2. Also called: Parkinson disease autosomal recessive, early onset; Juvenile parkinsonism; Parkinsonism, early onset, with diurnal fluctuation; PARKINSON DISEASE, JUVENILE, AUTOSOMAL RECESSIVE; Parkinson disease, juvenile, type 2; PRKN-Related Early-Onset Parkinson Disease. Identifiers: Orphanet 2828, MedGen C1868675, MONDO:0010820, OMIM 600116.

Allele frequency attached by ClinVar (database versions not stated): gnomAD exomes 0.00123; gnomAD 0.00739 and 0.00780; 1000 Genomes Project 30x 0.00796; 1000 Genomes Project 0.00819; TOPMed 0.00829.
gnomAD v4.1: 1,197 of 210,130 alleles (0.57%); highest among the groups gnomAD compares: African/African-American, 2.5%; 18 homozygotes.

Submission:

Illumina Laboratory Services, Illumina
Classification: Likely benign for Autosomal recessive juvenile Parkinson disease 2. Last evaluated: 2018-01-13. Review status: criteria provided, single submitter. Criteria: ICSL Variant Classification Criteria 13 December 2019. Collection method: clinical testing. Allele origin: germline.
Comment: This variant was observed in the ICSL laboratory as part of a predisposition screen in an ostensibly healthy population. It had not been previously curated by ICSL or reported in the Human Gene Mutation Database (HGMD: prior to June 1st, 2018), and was therefore a candidate for classification through an automated scoring system. Utilizing variant allele frequency, disease prevalence and penetrance estimates, and inheritance mode, an automated score was calculated to assess if this variant is too frequent to cause the disease. Based on the score and internal cut-off values, a variant classified as likely benign is not then subjected to further curation. The score for this variant resulted in a classification of likely benign for this disease.

NM_004562.3(PRKN):c.*1407C>T

Gene: PRKN (parkin RBR E3 ubiquitin protein ligase; minus strand). Cytogenetic location: 6q26.
Variant type: single nucleotide variant.
Coding change: c.*1407C>T on transcript NM_004562.3 (MANE Select); 1407 bases downstream of the stop codon, C replaced by T.
Molecular consequence: 3 prime UTR variant.
Genome position (GRCh38, 1-based): chr6:161,348,692, G>A on the plus strand (C>T on the coding strand, the complement: PRKN is on the minus strand). VCF-style: chr6-161348692-G-A. GRCh37 (hg19) VCF-style: chr6-161769724-G-A.
Other names: c.*1407C>T (NM_013987.3, NM_013988.3).
Identifiers: ClinVar variation 903737 (VCV000903737.4), dbSNP rs11961237, ClinGen allele CA151429342.